The following is an entry in ClinVar:

ClinVar aggregate classification (germline): Uncertain significance (1 of 4 stars; one submission).

Allele frequency attached by ClinVar (database versions not stated): gnomAD exomes below 0.00001; TOPMed below 0.00001; ExAC 0.00001.
gnomAD v4.1: 5 of 1,614,130 alleles (0.00031%); highest among the groups gnomAD compares: African/African-American, 0.0013%; no homozygotes.

Submission:

Labcorp Genetics (formerly Invitae), Labcorp
Classification: Uncertain significance. Last evaluated: 2025-07-21. Review status: criteria provided, single submitter. Criteria: Invitae Variant Classification Sherloc (09022015). Collection method: clinical testing. Allele origin: germline.
Comment: This sequence change replaces asparagine, which is neutral and polar, with serine, which is neutral and polar, at codon 14 of the ZNF341 protein (p.Asn14Ser). This variant is present in population databases (rs745389763, gnomAD 0.0009%). This variant has not been reported in the literature in individuals affected with ZNF341-related conditions. ClinVar contains an entry for this variant (Variation ID: 2087524). An algorithm developed to predict the effect of missense changes on protein structure and function (PolyPhen-2) suggests that this variant is likely to be disruptive. In summary, the available evidence is currently insufficient to determine the role of this variant in disease. Therefore, it has been classified as a Variant of Uncertain Significance.

NM_001282933.2(ZNF341):c.41A>G (p.Asn14Ser)

Gene: ZNF341 (zinc finger protein 341; plus strand). Cytogenetic location: 20q11.22.
Variant type: single nucleotide variant.
Coding change: c.41A>G on transcript NM_001282933.2 (MANE Select); coding-DNA position 41, A replaced by G.
Protein change: p.Asn14Ser; replaces asparagine 14 with serine.
Molecular consequence: missense variant. On other transcripts: 5 prime UTR variant (1), non-coding transcript variant (1).
Genome position (GRCh38, 1-based): chr20:33,740,911, A>G. VCF-style: chr20-33740911-A-G. GRCh37 (hg19) VCF-style: chr20-32328717-A-G.
Other names: c.-33A>G (NM_001282935.2); c.41A>G, p.Asn14Ser (NM_032819.5); short protein forms N14S.
Identifiers: ClinVar variation 2087524 (VCV002087524.4), dbSNP rs745389763, ClinGen allele CA9819047.